The following is an entry in ClinVar:

NM_003384.3(VRK1):c.191_192insA (p.Ser64fs)

Gene: VRK1 (VRK serine/threonine kinase 1; plus strand). Cytogenetic location: 14q32.2.
Variant type: Insertion.
Coding change: c.191_192insA on transcript NM_003384.3 (MANE Select); coding-DNA positions 191 to 192, A inserted.
Protein change: p.Ser64fs; shifts the reading frame from serine 64.
Molecular consequence: frameshift variant.
Genome position: GRCh38 VCF-style: chr14-96837792-G-GA. GRCh37 (hg19) VCF-style: chr14-97304129-G-GA.
Other names: c.191_192insA, p.Ser64fs (NM_001411051.1, NM_001411053.1); short protein forms S64fs.
Identifiers: ClinVar variation 5011542 (VCV005011542.1).
Genomic context (GRCh38, chr14:96,837,792, plus strand): 5'-TGATATCAAATATTTTACTTTTTTAAACAGCTGATATGAATTCTTCAGAGTCAGTTGGCA[G>GA]TGATGCACCTTGTGTTGTAAAAGTGGTAAGAAATATTTTAGCTAATTTGTTTCTTTTCTG-3'

ClinVar aggregate classification (germline): Pathogenic (1 of 4 stars; one submission).

Conditions:
Pontocerebellar hypoplasia type 1A (PCH1A). Also called: PONTOCEREBELLAR HYPOPLASIA WITH ANTERIOR HORN CELL DISEASE; PONTOCEREBELLAR HYPOPLASIA WITH INFANTILE SPINAL MUSCULAR ATROPHY. Identifiers: Orphanet 2254, Orphanet 88616, MedGen C1843504, MONDO:0011866, OMIM 607596.

Submission:

Myriad Genetics, Inc.
Classification: Pathogenic for Pontocerebellar hypoplasia type 1A. Last evaluated: 2023-09-03. Review status: criteria provided, single submitter. Criteria: Myriad Autosomal Dominant, Autosomal Recessive and X-Linked Classification Criteria (2023). Collection method: clinical testing. Allele origin: unknown.
Comment: NM_003384.2(VRK1):c.191_192insA(S64Rfs*2) is expected to be pathogenic in the context of pontocerebellar hypoplasia, VRK1-related. This variant is predicted to lead to an abnormal or absent protein product due to the creation of a premature termination codon in VRK1, a gene where loss-of-function variants are known to be pathogenic. Please note: this variant was assessed in the context of healthy population screening.